The following is an entry in ClinVar:

NM_001458.5(FLNC):c.4825C>T (p.Arg1609Trp)

Gene: FLNC (filamin C; plus strand). Cytogenetic location: 7q32.1.
Variant type: single nucleotide variant.
Coding change: c.4825C>T on transcript NM_001458.5 (MANE Select); coding-DNA position 4825, C replaced by T.
Protein change: p.Arg1609Trp; replaces arginine 1609 with tryptophan.
Molecular consequence: missense variant.
Genome position (GRCh38, 1-based): chr7:128,848,880, C>T. VCF-style: chr7-128848880-C-T. GRCh37 (hg19) VCF-style: chr7-128488934-C-T.
Other names: c.4825C>T, p.Arg1609Trp (NM_001127487.2); short protein forms R1609W.
Identifiers: ClinVar variation 653911 (VCV000653911.16), dbSNP rs374756527, ClinGen allele CA4475467.

ClinVar aggregate classification (germline): Conflicting classifications of pathogenicity. Review status: criteria provided, conflicting classifications (1 of 4 stars). 4 submissions from 4 submitters: Uncertain significance (3); Likely benign (1). Last evaluated 2026-01-23.

Conditions:
Cardiovascular phenotype. Identifiers: MedGen CN230736.
Hypertrophic cardiomyopathy 26. Also called: Cardiomyopathy, familial hypertrophic, 26. Identifiers: Orphanet 75249, MedGen C4310749, MONDO:0014883, OMIM 617047.
Myofibrillar myopathy 5. Also called: FILAMINOPATHY, AUTOSOMAL DOMINANT; Filaminopathy (type). Identifiers: Orphanet 171445, MedGen C1836050, MONDO:0012289, OMIM 609524.
Distal myopathy with posterior leg and anterior hand involvement. Also called: WILLIAMS DISTAL MYOPATHY. Identifiers: Orphanet 63273, MedGen C3279722, MONDO:0013550, OMIM 614065.

Allele frequency attached by ClinVar (database versions not stated): ExAC 0.00002; gnomAD 0.00003; ESP Exome Variant Server 0.00008.
gnomAD v4.1: 19 of 1,613,922 alleles (0.0012%); highest among the groups gnomAD compares: Admixed American, 0.012%; 1 homozygote.

Submissions (4):

Labcorp Genetics (formerly Invitae), Labcorp
Classification: Likely benign for Distal myopathy with posterior leg and anterior hand involvement; Myofibrillar myopathy 5; Hypertrophic cardiomyopathy 26. Last evaluated: 2026-01-23. Review status: criteria provided, single submitter. Criteria: Invitae Variant Classification Sherloc (09022015). Collection method: clinical testing. Allele origin: germline.

Ambry Genetics
Classification: Uncertain significance for Cardiovascular phenotype. Last evaluated: 2025-01-28. Review status: criteria provided, single submitter. Criteria: Ambry Variant Classification Scheme 2023. Collection method: clinical testing. Allele origin: germline.

GeneDx
Classification: Uncertain significance. Last evaluated: 2024-10-02. Review status: criteria provided, single submitter. Criteria: GeneDx Variant Classification Process June 2021. Collection method: clinical testing. Allele origin: germline. Affected: yes.
Comment: Has not been previously published as pathogenic or benign to our knowledge; In silico analysis supports that this missense variant has a deleterious effect on protein structure/function

Revvity Omics, Revvity
Classification: Uncertain significance. Last evaluated: 2023-10-25. Review status: criteria provided, single submitter. Criteria: ACMG Guidelines, 2015. Collection method: clinical testing. Allele origin: germline.